The following is an entry in ClinVar:

NM_005477.3(HCN4):c.3407G>T (p.Gly1136Val)

Gene: HCN4 (hyperpolarization activated cyclic nucleotide gated potassium channel 4; minus strand). Cytogenetic location: 15q24.1.
Variant type: single nucleotide variant.
Coding change: c.3407G>T on transcript NM_005477.3 (MANE Select); coding-DNA position 3407, G replaced by T.
Protein change: p.Gly1136Val; replaces glycine 1136 with valine.
Molecular consequence: missense variant.
Genome position (GRCh38, 1-based): chr15:73,322,686, C>A on the plus strand (G>T on the coding strand, the complement: HCN4 is on the minus strand). VCF-style: chr15-73322686-C-A. GRCh37 (hg19) VCF-style: chr15-73615027-C-A.
Other names: short protein forms G1136V.
Identifiers: ClinVar variation 470669 (VCV000470669.6), dbSNP rs1377027284, ClinGen allele CA393085389.

ClinVar aggregate classification (germline): Uncertain significance (1 of 4 stars; one submission).

Conditions:
Brugada syndrome 8 (BRGDA8). Identifiers: Orphanet 130, MedGen C2751083, MONDO:0013148, OMIM 613123.

Allele frequency attached by ClinVar (database versions not stated): gnomAD exomes below 0.00001.
gnomAD v4.1: 1 of 1,586,238 alleles (0.000063%); highest among the groups gnomAD compares: Non-Finnish European, 0.000086%; no homozygotes.

Submission:

Labcorp Genetics (formerly Invitae), Labcorp
Classification: Uncertain significance for Brugada syndrome 8. Last evaluated: 2021-10-09. Review status: criteria provided, single submitter. Criteria: Invitae Variant Classification Sherloc (09022015). Collection method: clinical testing. Allele origin: germline.
Comment: In summary, the available evidence is currently insufficient to determine the role of this variant in disease. Therefore, it has been classified as a Variant of Uncertain Significance. Algorithms developed to predict the effect of missense changes on protein structure and function output the following: SIFT: "Deleterious"; PolyPhen-2: "Probably Damaging"; Align-GVGD: "Class C0". The valine amino acid residue is found in multiple mammalian species, which suggests that this missense change does not adversely affect protein function. This variant has not been reported in the literature in individuals affected with HCN4-related conditions. This variant is not present in population databases (ExAC no frequency). This sequence change replaces glycine with valine at codon 1136 of the HCN4 protein (p.Gly1136Val). The glycine residue is highly conserved and there is a moderate physicochemical difference between glycine and valine.